The following is an entry in ClinVar:

ClinVar aggregate classification (germline): Benign. Review status: criteria provided, multiple submitters, no conflicts (2 of 4 stars). 2 submissions from 2 submitters: Benign (2). Last evaluated 2018-11-10.

Allele frequency attached by ClinVar (database versions not stated): gnomAD exomes 0.19876 and 0.27272; 1000 Genomes Project 0.68750; gnomAD 0.75295 and 0.75129; ExAC 0.37386.
gnomAD v4.1: 105,937 of 318,172 alleles (33%); highest among the groups gnomAD compares: Admixed American, 63%; 41,946 homozygotes.

Submissions (2):

GeneDx
Classification: Benign. Last evaluated: 2018-11-10. Review status: criteria provided, single submitter. Criteria: GeneDx Variant Classification Process June 2021. Collection method: clinical testing. Allele origin: germline. Affected: yes.
Comment: This variant is associated with the following publications: (PMID: 30245029, 27884173, 25342930)

Breakthrough Genomics
Classification: Benign. Review status: criteria provided, single submitter. Criteria: ACMG Guidelines, 2015. Collection method: not provided. Allele origin: germline. Inheritance: Autosomal dominant inheritance. Affected: yes.

NM_014208.3(DSPP):c.3274A>G (p.Asn1092Asp)

Genes: DMP1-AS1 (DMP1 and DSPP antisense RNA 1; minus strand), DSPP (dentin sialophosphoprotein; plus strand). Cytogenetic location: 4q22.1.
Variant type: single nucleotide variant.
Coding change: c.3274A>G on transcript NM_014208.3 (MANE Select); coding-DNA position 3274, A replaced by G.
Protein change: p.Asn1092Asp; replaces asparagine 1092 with aspartic acid.
Molecular consequence: missense variant.
Genome position (GRCh38, 1-based): chr4:87,615,936, A>G. VCF-style: chr4-87615936-A-G. GRCh37 (hg19) VCF-style: chr4-88537088-A-G.
Other names: short protein forms N1092D.
Identifiers: ClinVar variation 1226114 (VCV001226114.4), dbSNP rs201754564, ClinGen allele CA3001543.